The following is an entry in ClinVar:

ClinVar aggregate classification (germline): Benign/Likely benign. Review status: criteria provided, multiple submitters, no conflicts (2 of 4 stars). 11 submissions from 11 submitters: Benign (4); Likely benign (4). 3 of the submissions do not count toward it. Last evaluated 2026-05-01.

Conditions:
LRRK2-related disorder. Also called: LRRK2-related condition.
Autosomal dominant Parkinson disease 8. Also called: LRRK2-Related Parkinson Disease; Parkinson disease 8; Parkinson disease 8, susceptibility to. Identifiers: Orphanet 411602, MedGen C1846862, MONDO:0011764, OMIM 607060.

Allele frequency attached by ClinVar (database versions not stated): 1000 Genomes Project 30x 0.00156; 1000 Genomes Project 0.00160; ExAC 0.00379; TOPMed 0.00405; ESP Exome Variant Server 0.00515; gnomAD 0.00526.
gnomAD v4.1: 11,182 of 1,609,956 alleles (0.69%); highest among the groups gnomAD compares: Non-Finnish European, 0.86%; 60 homozygotes.

Submissions (11):

CeGaT Center for Human Genetics Tuebingen
Classification: Likely benign. Last evaluated: 2026-05-01. Review status: criteria provided, single submitter. Criteria: CeGaT Center For Human Genetics Tuebingen Variant Classification Criteria Version 2. Collection method: clinical testing. Allele origin: germline. Affected: yes. Observed: 20 variant alleles.
Comment: LRRK2: BP4, BS2

Labcorp Genetics (formerly Invitae), Labcorp
Classification: Benign for Autosomal dominant Parkinson disease 8. Last evaluated: 2026-01-25. Review status: criteria provided, single submitter. Criteria: Invitae Variant Classification Sherloc (09022015). Collection method: clinical testing. Allele origin: germline.

Mayo Clinic Laboratories, Mayo Clinic
Classification: Benign. Last evaluated: 2024-12-17. Review status: criteria provided, single submitter. Criteria: ACMG Guidelines, 2015. Collection method: clinical testing. Allele origin: germline. Observed: 8 variant alleles.
Comment: BS2, BS4, BP4_moderate

Blueprint Genetics
Classification: Likely benign. Last evaluated: 2024-11-26. Review status: criteria provided, single submitter. Criteria: ACMG Guidelines, 2015. Collection method: clinical testing. Allele origin: germline.

Fulgent Genetics
Classification: Benign for Autosomal dominant Parkinson disease 8. Last evaluated: 2021-10-09. Review status: criteria provided, single submitter. Criteria: ACMG Guidelines, 2015. Collection method: clinical testing. Allele origin: unknown.

GeneDx
Classification: Benign. Last evaluated: 2018-12-11. Review status: criteria provided, single submitter. Criteria: GeneDx Variant Classification Process June 2021. Collection method: clinical testing. Allele origin: germline. Affected: yes.
Comment: This variant is associated with the following publications: (PMID: 16172858, 17149721, 20721913, 24488318, 21885347, 17200152, 20642453, 25466404, 17216639, 24082139)

Illumina Laboratory Services, Illumina
Classification: Likely benign for Autosomal dominant Parkinson disease 8. Last evaluated: 2017-04-27. Review status: criteria provided, single submitter. Criteria: ICSL Variant Classification Criteria 13 December 2019. Collection method: clinical testing. Allele origin: germline.
Comment: This variant was observed as part of a predisposition screen in an ostensibly healthy population. A literature search was performed for the gene, cDNA change, and amino acid change (where applicable). No publications were found based on this search. Allele frequency data from public databases allowed determination this variant is unlikely to cause disease. Therefore, this variant is classified as likely benign.

Breakthrough Genomics
Classification: Likely benign. Review status: criteria provided, single submitter. Criteria: ACMG Guidelines, 2015. Collection method: not provided. Allele origin: germline. Inheritance: Autosomal dominant inheritance. Affected: yes.

PreventionGenetics, part of Exact Sciences
Classification: Likely benign for LRRK2-related condition. Last evaluated: 2023-05-22. Review status: no assertion criteria provided. Collection method: clinical testing. Allele origin: germline. Not counted in ClinVar's aggregate classification.
Comment: This variant is classified as likely benign based on ACMG/AMP sequence variant interpretation guidelines (Richards et al. 2015 PMID: 25741868, with internal and published modifications).

Department of Pathology and Laboratory Medicine, Sinai Health System
Classification: Likely benign. Review status: no assertion criteria provided. Collection method: clinical testing. Allele origin: unknown. Affected: yes. Study: The Canadian Open Genetics Repository (COGR). Not counted in ClinVar's aggregate classification.
Comment: The LRRK2 p.Arg1514Gln variant was not identified in the literature nor was it identified in Cosmic. The variant was identified in dbSNP (ID: rs35507033), ClinVar (classified as Benign by Invitae; associated condition is autosomal dominant Parkinson disease 8), and LOVD 3.0. The variant was also identified in control databases in 1161 of 280242 chromosomes (3 homozygous) at a frequency of 0.004143 increasing the likelihood this could be a low frequency benign variant (Genome Aggregation Database Feb 27, 2017) and was observed in the following populations: European (non-Finnish) in 901 of 128130 chromosomes (freq: 0.007032), Other in 36 of 7142 chromosomes (freq: 0.005041), European (Finnish) in 93 of 24168 chromosomes (freq: 0.003848), Latino in 75 of 35192 chromosomes (freq: 0.002131), Ashkenazi Jewish in 19 of 10328 chromosomes (freq: 0.00184), African in 36 of 24800 chromosomes (freq: 0.001452) and South Asian in 1 of 30568 chromosomes (freq: 0.000033), while the variant was not observed in the East Asian population. One study demonstrated the R1514Q variant did not segregate fully with Parkinsonâ€šÃ„Ã´s disease. Combined analyses of three case-control series showed the R1514Q substitution was not associated with increased risk of disease (Toft_2007_PMID:17216639). Another study explored the variantâ€šÃ„Ã´s pathogenicity by studying populations carrying the mutation and the data suggested that the p.R1514Q variant is not a pathogenic mutation (Nichols_2006_PMID:17149721). The variant occurs outside of the splicing consensus sequence and in silico or computational prediction software programs (SpliceSiteFinder, MaxEntScan, NNSPLICE, GeneSplicer) do not predict a difference in splicing. The p.Arg1514 residue is conserved in mammals and computational analyses (PolyPhen-2, SIFT, AlignGVGD, BLOSUM, MutationTaster) provide inconsistent predictions regarding the impact to the protein; this information is not very predictive of pathogenicity. In summary, based on the above information the clinical significance of this variant cannot be determined with certainty at this time although we would lean towards a more benign role for this variant. This variant is classified as likely benign.

GeneReviews
No classification provided. Condition: Autosomal dominant Parkinson disease 8. Review status: no classification provided. Collection method: literature only. Allele origin: unknown. Not counted in ClinVar's aggregate classification.

Literature cited by the submitters: PubMed 17216639 (cited by Mayo Clinic Laboratories, Mayo Clinic); PubMed 20642453 (cited by Mayo Clinic Laboratories, Mayo Clinic); PubMed 20721913 (cited by Mayo Clinic Laboratories, Mayo Clinic); PubMed 24082139 (cited by Mayo Clinic Laboratories, Mayo Clinic); PubMed 25466404 (cited by Mayo Clinic Laboratories, Mayo Clinic); PubMed 32740907 (cited by Mayo Clinic Laboratories, Mayo Clinic); PubMed 20301387 (cited by GeneReviews); NCBI Bookshelf NBK1208 (cited by GeneReviews).

NM_198578.4(LRRK2):c.4541G>A (p.Arg1514Gln)

Gene: LRRK2 (leucine rich repeat kinase 2; plus strand). Cytogenetic location: 12q12.
Variant type: single nucleotide variant.
Coding change: c.4541G>A on transcript NM_198578.4 (MANE Select); coding-DNA position 4541, G replaced by A.
Protein change: p.Arg1514Gln; replaces arginine 1514 with glutamine.
Molecular consequence: missense variant.
Genome position (GRCh38, 1-based): chr12:40,313,976, G>A. VCF-style: chr12-40313976-G-A. GRCh37 (hg19) VCF-style: chr12-40707778-G-A.
Other names: short protein forms R1514Q.
Identifiers: ClinVar variation 39191 (VCV000039191.54), dbSNP rs35507033, ClinGen allele CA343592.
Genomic context (GRCh38, chr12:40,313,976, plus strand): 5'-TTGACAAATACACAAATAAAATAGATTTTTACGGCTTGTCATTTGTAATTTCATAGATCC[G>A]AGATCAGCTTGTTGTTGGACAGCTGATTCCAGACTGCTATGTAGAACTTGAAAAAATCAT-3'
Protein context (NP_940980.4, residues 1504-1524): IINESLNFKI[Arg1514Gln]DQLVVGQLIP